The following is an entry in ClinVar:

NM_000390.4(CHM):c.242_245del (p.Glu81fs)

Gene: CHM (CHM Rab escort protein; minus strand). Cytogenetic location: Xq21.2.
Variant type: Deletion.
Coding change: c.242_245del on transcript NM_000390.4 (MANE Select); coding-DNA positions 242 to 245, 4 bases deleted (AAAA; older notation c.242_245delAAAA).
Protein change: p.Glu81fs; shifts the reading frame from glutamic acid 81.
Molecular consequence: frameshift variant. On other transcripts: 5 prime UTR variant (4).
Genome position (GRCh38, 1-based): chrX:85,978,836-85,978,839, TTTT deleted on the plus strand (AAAA on the coding strand, the reverse complement: CHM is on the minus strand). VCF-style (leftmost placement, unchanged base first): chrX-85978835-ATTTT-A. GRCh37 (hg19) VCF-style: chrX-85233839-ATTTT-A.
Other names: c.242_245del, p.Glu81fs (NM_001145414.4); c.-203_-200del (NM_001320959.1, NM_001362517.1); c.-199_-196del (NM_001362518.2, NM_001362519.1); short protein forms E81fs.
Identifiers: ClinVar variation 1457809 (VCV001457809.7), dbSNP rs2147706541, ClinGen allele CA2573159647.

ClinVar aggregate classification (germline): Pathogenic. Review status: criteria provided, multiple submitters, no conflicts (2 of 4 stars). 2 submissions from 2 submitters: Pathogenic (2). Last evaluated 2021-12-06.

Conditions:
CHM-related disorders.

Submissions (2):

Blueprint Genetics
Classification: Pathogenic for CHM-related disorders. Last evaluated: 2021-12-06. Review status: criteria provided, single submitter. Criteria: ACMG Guidelines, 2015. Collection method: clinical testing. Allele origin: germline. Affected: yes. Observed: 2 variant alleles.

Labcorp Genetics (formerly Invitae), Labcorp
Classification: Pathogenic. Last evaluated: 2021-11-23. Review status: criteria provided, single submitter. Criteria: Invitae Variant Classification Sherloc (09022015). Collection method: clinical testing. Allele origin: germline.
Comment: This variant is not present in population databases (gnomAD no frequency). This sequence change creates a premature translational stop signal (p.Glu81Valfs*44) in the CHM gene. It is expected to result in an absent or disrupted protein product. Loss-of-function variants in CHM are known to be pathogenic (PMID: 9067750, 23811034). This variant has not been reported in the literature in individuals affected with CHM-related conditions. For these reasons, this variant has been classified as Pathogenic.

Literature cited by the submitters: PubMed 9067750 (cited by Labcorp Genetics (formerly Invitae), Labcorp); PubMed 23811034 (cited by Labcorp Genetics (formerly Invitae), Labcorp).